The following is an entry in ClinVar:

ClinVar aggregate classification (germline): Conflicting classifications of pathogenicity. Review status: criteria provided, conflicting classifications (1 of 4 stars). 10 submissions from 10 submitters: Likely pathogenic (5); Uncertain significance (5). Last evaluated 2025-08-27.

Conditions:
Cardiovascular phenotype. Identifiers: MedGen CN230736.
Cardiomyopathy (CMYO). Also called: Cardiomyopathies. Identifiers: Orphanet 167848, MedGen C0878544, MONDO:0004994, HP:0001638. Inheritance: Various modes of inheritance.
Hypertrophic cardiomyopathy. Also called: HYPERTROPHIC MYOCARDIOPATHY. Identifiers: Orphanet 217569, MedGen C0007194, MeSH D002312, MONDO:0005045, HP:0001639.

Allele frequency attached by ClinVar (database versions not stated): gnomAD exomes below 0.00001 and 0.00001; TOPMed below 0.00001; ExAC 0.00001.
gnomAD v4.1: 8 of 1,614,124 alleles (0.0005%); highest among the groups gnomAD compares: Non-Finnish European, 0.00068%; no homozygotes.

Submissions (10):

Color Diagnostics, LLC DBA Color Health
Classification: Uncertain significance for Cardiomyopathy. Last evaluated: 2025-08-27. Review status: criteria provided, single submitter. Criteria: ACMG Guidelines, 2015. Collection method: clinical testing. Allele origin: germline.
Comment: This missense variant replaces arginine with cysteine at codon 783 of the MYH7 protein. This variant is found within a highly conserved region of the myosin head domain. Missense variants in this region have been shown to be significantly overrepresented in individuals with affected with hypertrophic cardiomyopathy (PMID: 27532257). Computational prediction is inconclusive regarding the impact of this variant on protein structure and function. To our knowledge, functional studies have not been reported for this variant. This variant has been identified in 1/251474 chromosomes in the general population by the Genome Aggregation Database (gnomAD). Different variants affecting the same codon, p.Arg783His and p.Arg783Pro, are considered to be disease-causing (ClinVar variation ID: 180437 and 42895), suggesting that arginine at this position is important for MYH7 protein function. The available evidence is insufficient to determine the role of this p.Arg783Cys variant in disease conclusively. Therefore, this variant is classified as a Variant of Uncertain Significance.

GeneDx
Classification: Likely pathogenic. Last evaluated: 2025-05-27. Review status: criteria provided, single submitter. Criteria: GeneDx Variant Classification Process June 2021. Collection method: clinical testing. Allele origin: germline. Affected: yes.
Comment: Identified in patients with HCM referred for genetic testing at GeneDx and in published literature (PMID: 27247418, 31110529); Not observed at significant frequency in large population cohorts (gnomAD); In silico analysis supports that this missense variant has a deleterious effect on protein structure/function; This variant is associated with the following publications: (PMID: 31589614, 34135346, 31110529, 30275503, 27247418, 21211974, 27532257, 29300372, 39033325, 38757491)

Laboratory of Genetics, Children's Clinical University Hospital Latvia
Classification: Likely pathogenic. Last evaluated: 2025-02-16. Review status: criteria provided, single submitter. Criteria: ACMG Guidelines, 2015. Collection method: clinical testing. Allele origin: germline. Affected: yes.

Blueprint Genetics
Classification: Uncertain significance. Last evaluated: 2024-10-17. Review status: criteria provided, single submitter. Criteria: ACMG Guidelines, 2015. Collection method: clinical testing. Allele origin: germline.

CeGaT Center for Human Genetics Tuebingen
Classification: Likely pathogenic. Last evaluated: 2024-08-01. Review status: criteria provided, single submitter. Criteria: CeGaT Center For Human Genetics Tuebingen Variant Classification Criteria Version 2. Collection method: clinical testing. Allele origin: germline. Affected: yes. Observed: 1 variant allele.
Comment: MYH7: PM1, PM2, PM5

Ambry Genetics
Classification: Uncertain significance for Cardiovascular phenotype. Last evaluated: 2024-06-04. Review status: criteria provided, single submitter. Criteria: Ambry Variant Classification Scheme 2023. Collection method: clinical testing. Allele origin: germline.
Comment: The p.R783C variant (also known as c.2347C>T), located in coding exon 19 of the MYH7 gene, results from a C to T substitution at nucleotide position 2347. The arginine at codon 783 is replaced by cysteine, an amino acid with highly dissimilar properties. This alteration is located in the myosin head domain, which contains a statistically significant clustering of pathogenic missense variants (Homburger JR et al. Proc Natl Acad Sci U S A, 2016 06;113:6701-6; Walsh R et al. Genet Med, 2017 02;19:192-203; Ambry internal data). This variant has been reported in hypertrophic cardiomyopathy (HCM) cohorts (Homburger JR et al. Proc Natl Acad Sci U S A, 2016 Jun;113:6701-6; Robert-Paganin J et al. Nat Commun, 2018 Oct;9:4019; Bonaventura J et al. Arch Med Sci, 2019 May;15:641-649; Bonaventura J et al. J Am Heart Assoc, 2024 May;13:e033565). Another variant at the same codon, p.R783H (c.2348G>A), has been detected in numerous individual from hypertrophic cardiomyopathy (HCM) cohorts and cohorts referred for HCM genetic testing (Waldm&uuml;ller S et al. Clin. Chem., 2008 Apr;54:682-7; Berge KE et al. Clin. Genet., 2014 Oct;86:355-60; Lopes LR et al. Heart, 2015 Feb;101:294-301; J&auml;&auml;skel&auml;inen P et al. ESC Heart Fail. 2019 Apr;6(2):436-445; Marschall C et al. Cardiovasc Diagn Ther. 2019 Oct;9(Suppl 2):S292-S298; Hathaway J et al. BMC Cardiovasc Disord. 2021 03;21(1):126; Phan PD et al. JRSM Cardiovasc Dis. 2024 Jan;13:20480040231220100; Ambry internal data). This amino acid position is not well conserved in available vertebrate species. In addition, the in silico prediction for this alteration is inconclusive. Based on the available evidence, the clinical significance of this variant remains unclear.

Labcorp Genetics (formerly Invitae), Labcorp
Classification: Likely pathogenic for Hypertrophic cardiomyopathy. Last evaluated: 2024-02-02. Review status: criteria provided, single submitter. Criteria: Invitae Variant Classification Sherloc (09022015). Collection method: clinical testing. Allele origin: germline.
Comment: This sequence change replaces arginine, which is basic and polar, with cysteine, which is neutral and slightly polar, at codon 783 of the MYH7 protein (p.Arg783Cys). This variant is present in population databases (rs727503258, gnomAD 0.0009%). This missense change has been observed in individual(s) with hypertrophic cardiomyopathy (PMID: 27247418). ClinVar contains an entry for this variant (Variation ID: 181182). Advanced modeling of protein sequence and biophysical properties (such as structural, functional, and spatial information, amino acid conservation, physicochemical variation, residue mobility, and thermodynamic stability) performed at Invitae indicates that this missense variant is expected to disrupt MYH7 protein function with a positive predictive value of 95%. This variant disrupts the p.Arg783 amino acid residue in MYH7. Other variant(s) that disrupt this residue have been determined to be pathogenic (PMID: 21211974). This suggests that this residue is clinically significant, and that variants that disrupt this residue are likely to be disease-causing. In summary, the currently available evidence indicates that the variant is pathogenic, but additional data are needed to prove that conclusively. Therefore, this variant has been classified as Likely Pathogenic.

All of Us Research Program, National Institutes of Health
Classification: Uncertain significance for Cardiomyopathy. Last evaluated: 2023-08-08. Review status: criteria provided, single submitter. Criteria: ACMG Guidelines, 2015. Collection method: clinical testing. Allele origin: germline. Inheritance: Autosomal dominant inheritance. Observed: 3 variant alleles, 3 heterozygotes.
Comment: This missense variant replaces arginine with cysteine at codon 783 of the MYH7 protein. Computational prediction is inconclusive regarding the impact of this variant on protein structure and function (internally defined REVEL score threshold 0.5 < inconclusive < 0.7, PMID: 27666373). To our knowledge, functional studies have not been reported for this variant. This variant has been reported in individuals affected with hypertrophic cardiomyopathy (PMID: 27247418, 31110529). Different variants affecting the same codon, p.Arg783His and p.Arg783Pro, are considered to be disease-causing (ClinVar variation ID: 180437 and 42895), suggesting that arginine at this position is important for MYH7 protein function. This variant has been identified in 1/251474 chromosomes in the general population by the Genome Aggregation Database (gnomAD). The available evidence is insufficient to determine the role of this variant in disease conclusively. Therefore, this variant is classified as a Variant of Uncertain Significance.

This study involves interpretation of variants in research participants for the purpose of population health screening. Participant phenotype was not available at the time of variant classification. Additional details can be found in publication PMID: 35346344, PMCID: PMC8962531

Revvity Omics, Revvity
Classification: Uncertain significance. Last evaluated: 2021-08-07. Review status: criteria provided, single submitter. Criteria: ACMG Guidelines, 2015. Collection method: clinical testing. Allele origin: germline.

Laboratory for Molecular Medicine, Mass General Brigham Personalized Medicine
Classification: Likely pathogenic for Hypertrophic cardiomyopathy. Last evaluated: 2019-10-14. Review status: criteria provided, single submitter. Criteria: ACMG Guidelines, 2015. Collection method: clinical testing. Allele origin: germline.
Comment: The p.Arg783Cys variant in MYH7 has been identified in 1 individual with HCM (Homburger 2016). It has been identified in 1/113752 of European chromosomes by gnomAD and in ClinVar (Variation ID: 181182). Computational prediction tools and conservation analysis suggest that the p.Arg783His variant may impact the protein, though this information is not predictive enough to determine pathogenicity. Of note, this variant lies in the head region of the protein. Missense variants in this region have been reported and statistically indicated to be more likely to cause disease (Walsh 2016). In addition, 2 other variants involving this codon, p.Arg783His and p.Arg783Pro, have been identified in individuals with cardiomyopathy. In summary, although additional studies are required to fully establish its clinical significance, this variant is likely pathogenic. ACMG/AMP Criteria applied: PM1, PM2, PM5, PP3.

Literature cited by the submitters: PubMed 27247418 (cited by 5 submitters); PubMed 27532257 (cited by Color Diagnostics, LLC DBA Color Health); PubMed 31110529 (cited by 3 submitters); PubMed 34135346 (cited by Color Diagnostics, LLC DBA Color Health); PubMed 30275503 (cited by Ambry Genetics); PubMed 38757491 (cited by Ambry Genetics); PubMed 21211974 (cited by Labcorp Genetics (formerly Invitae), Labcorp).

NM_000257.4(MYH7):c.2347C>T (p.Arg783Cys)

Genes: MYH7 (myosin heavy chain 7; minus strand), LOC126861898 (BRD4-independent group 4 enhancer GRCh37_chr14:23893609-23894808; plus strand). Cytogenetic location: 14q11.2.
Variant type: single nucleotide variant.
Coding change: c.2347C>T on transcript NM_000257.4 (MANE Select); coding-DNA position 2347, C replaced by T.
Protein change: p.Arg783Cys; replaces arginine 783 with cysteine.
Molecular consequence: missense variant.
Genome position (GRCh38, 1-based): chr14:23,425,358, G>A on the plus strand (C>T on the coding strand, the complement: MYH7 is on the minus strand). VCF-style: chr14-23425358-G-A. GRCh37 (hg19) VCF-style: chr14-23894567-G-A.
Other names: p.R783C:CGC>TGC; c.2347C>T (LRG_384t1); short protein forms R783C.
Identifiers: ClinVar variation 181182 (VCV000181182.39), dbSNP rs727503258, ClinGen allele CA012184.